The following is an entry in ClinVar:

NM_002485.5(NBN):c.793G>A (p.Ala265Thr)

Gene: NBN (nibrin; minus strand). Cytogenetic location: 8q21.3.
Variant type: single nucleotide variant.
Coding change: c.793G>A on transcript NM_002485.5 (MANE Select); coding-DNA position 793, G replaced by A.
Protein change: p.Ala265Thr; replaces alanine 265 with threonine.
Molecular consequence: missense variant.
Genome position (GRCh38, 1-based): chr8:89,970,467, C>T on the plus strand (G>A on the coding strand, the complement: NBN is on the minus strand). VCF-style: chr8-89970467-C-T. GRCh37 (hg19) VCF-style: chr8-90982695-C-T.
Other names: c.547G>A, p.Ala183Thr (NM_001024688.3); short protein forms A265T, A183T.
Identifiers: ClinVar variation 481872 (VCV000481872.17), dbSNP rs876658382, ClinGen allele CA371658624.

ClinVar aggregate classification (germline): Uncertain significance. Review status: criteria provided, multiple submitters, no conflicts (2 of 4 stars). 3 submissions from 3 submitters: Uncertain significance (3). Last evaluated 2025-06-09.

Conditions:
Hereditary cancer-predisposing syndrome. Also called: Hereditary neoplastic syndrome; Neoplastic Syndromes, Hereditary; Tumor predisposition; Hereditary Cancer Syndrome. Identifiers: Orphanet 140162, MedGen C0027672, MeSH D009386, MONDO:0015356.
Microcephaly, normal intelligence and immunodeficiency (NBS). Also called: IMMUNODEFICIENCY, MICROCEPHALY, AND CHROMOSOMAL INSTABILITY; SEEMANOVA SYNDROME II; Nijmegen breakage syndrome; Microcephaly with normal intelligence immunodeficiency and lymphoreticular malignancies; Nonsyndromal microcephaly autosomal recessive with normal intelligence; Seemanova syndrome 2. Identifiers: Orphanet 647, MedGen C0398791, MONDO:0009623, OMIM 251260.

Allele frequency attached by ClinVar (database versions not stated): TOPMed below 0.00001; gnomAD 0.00001.
gnomAD v4.1: 2 of 1,613,780 alleles (0.00012%); highest among the groups gnomAD compares: African/African-American, 0.0013%; no homozygotes.

Submissions (3):

Labcorp Genetics (formerly Invitae), Labcorp
Classification: Uncertain significance for Microcephaly, normal intelligence and immunodeficiency. Last evaluated: 2025-06-09. Review status: criteria provided, single submitter. Criteria: Invitae Variant Classification Sherloc (09022015). Collection method: clinical testing. Allele origin: germline.
Comment: This sequence change replaces alanine, which is neutral and non-polar, with threonine, which is neutral and polar, at codon 265 of the NBN protein (p.Ala265Thr). This variant is not present in population databases (gnomAD no frequency). This variant has not been reported in the literature in individuals affected with NBN-related conditions. ClinVar contains an entry for this variant (Variation ID: 481872). An algorithm developed to predict the effect of missense changes on protein structure and function outputs the following: PolyPhen-2: "Benign". The threonine amino acid residue is found in multiple mammalian species, which suggests that this missense change does not adversely affect protein function. In summary, the available evidence is currently insufficient to determine the role of this variant in disease. Therefore, it has been classified as a Variant of Uncertain Significance.

Genome-Nilou Lab
Classification: Uncertain significance for Microcephaly, normal intelligence and immunodeficiency. Last evaluated: 2021-11-07. Review status: criteria provided, single submitter. Criteria: ACMG Guidelines, 2015. Collection method: clinical testing. Allele origin: germline. Affected: no.

Ambry Genetics
Classification: Uncertain significance for Hereditary cancer-predisposing syndrome. Last evaluated: 2019-06-20. Review status: criteria provided, single submitter. Criteria: Ambry Variant Classification Scheme 2023. Collection method: clinical testing. Allele origin: germline.
Comment: The p.A265T variant (also known as c.793G>A), located in coding exon 7 of the NBN gene, results from a G to A substitution at nucleotide position 793. The alanine at codon 265 is replaced by threonine, an amino acid with similar properties. This amino acid position is poorly conserved in available vertebrate species. In addition, this alteration is predicted to be tolerated by in silico analysis. Since supporting evidence is limited at this time, the clinical significance of this alteration remains unclear.